The following is an entry in ClinVar:

ClinVar aggregate classification (germline): Uncertain significance (1 of 4 stars; one submission).

Allele frequency attached by ClinVar (database versions not stated): gnomAD 0.00001; gnomAD exomes 0.00001; TOPMed 0.00001; ExAC 0.00001.
gnomAD v4.1: 11 of 1,613,412 alleles (0.00068%); highest among the groups gnomAD compares: South Asian, 0.0033%; no homozygotes.

Submission:

Labcorp Genetics (formerly Invitae), Labcorp
Classification: Uncertain significance. Last evaluated: 2021-10-22. Review status: criteria provided, single submitter. Criteria: Invitae Variant Classification Sherloc (09022015). Collection method: clinical testing. Allele origin: germline.
Comment: This sequence change replaces isoleucine with valine at codon 1023 of the TTC37 protein (p.Ile1023Val). The isoleucine residue is weakly conserved and there is a small physicochemical difference between isoleucine and valine. This variant is present in population databases (rs761194208, ExAC 0.006%). This variant has not been reported in the literature in individuals affected with TTC37-related conditions. Algorithms developed to predict the effect of missense changes on protein structure and function output the following: SIFT: "Tolerated"; PolyPhen-2: "Benign"; Align-GVGD: "Class C0". The valine amino acid residue is found in multiple mammalian species, which suggests that this missense change does not adversely affect protein function. Algorithms developed to predict the effect of sequence changes on RNA splicing suggest that this variant may create or strengthen a splice site. In summary, the available evidence is currently insufficient to determine the role of this variant in disease. Therefore, it has been classified as a Variant of Uncertain Significance.

NM_014639.4(SKIC3):c.3067A>G (p.Ile1023Val)

Gene: SKIC3 (SKI3 subunit of superkiller complex; minus strand). Cytogenetic location: 5q15.
Variant type: single nucleotide variant.
Coding change: c.3067A>G on transcript NM_014639.4 (MANE Select); coding-DNA position 3067, A replaced by G.
Protein change: p.Ile1023Val; replaces isoleucine 1023 with valine.
Molecular consequence: missense variant.
Genome position (GRCh38, 1-based): chr5:95,506,959, T>C on the plus strand (A>G on the coding strand, the complement: SKIC3 is on the minus strand). VCF-style: chr5-95506959-T-C. GRCh37 (hg19) VCF-style: chr5-94842663-T-C.
Other names: short protein forms I1023V.
Identifiers: ClinVar variation 1388391 (VCV001388391.3), dbSNP rs761194208, ClinGen allele CA3346859.